The following is an entry in ClinVar:

ClinVar aggregate classification (germline): Uncertain significance (1 of 4 stars; one submission).

Submission:

Labcorp Genetics (formerly Invitae), Labcorp
Classification: Uncertain significance. Last evaluated: 2022-08-28. Review status: criteria provided, single submitter. Criteria: Invitae Variant Classification Sherloc (09022015). Collection method: clinical testing. Allele origin: germline.
Comment: This variant is not present in population databases (gnomAD no frequency). This sequence change replaces alanine, which is neutral and non-polar, with threonine, which is neutral and polar, at codon 445 of the CAMK2B protein (p.Ala445Thr). This variant has not been reported in the literature in individuals affected with CAMK2B-related conditions. In summary, the available evidence is currently insufficient to determine the role of this variant in disease. Therefore, it has been classified as a Variant of Uncertain Significance. Algorithms developed to predict the effect of missense changes on protein structure and function output the following: SIFT: "Tolerated"; PolyPhen-2: "Benign"; Align-GVGD: "Class C0". The threonine amino acid residue is found in multiple mammalian species, which suggests that this missense change does not adversely affect protein function.

NM_001220.5(CAMK2B):c.1333G>A (p.Ala445Thr)

Gene: CAMK2B (calcium/calmodulin dependent protein kinase II beta; minus strand). Cytogenetic location: 7p13.
Variant type: single nucleotide variant.
Coding change: c.1333G>A on transcript NM_001220.5 (MANE Select); coding-DNA position 1333, G replaced by A.
Protein change: p.Ala445Thr; replaces alanine 445 with threonine.
Molecular consequence: missense variant. On other transcripts: intron variant (8).
Genome position (GRCh38, 1-based): chr7:44,229,394, C>T on the plus strand (G>A on the coding strand, the complement: CAMK2B is on the minus strand). VCF-style: chr7-44229394-C-T. GRCh37 (hg19) VCF-style: chr7-44268993-C-T.
Other names: c.947-8493G>A (NM_172084.3); c.1150+1612G>A (NM_172080.3); c.1036+1612G>A (NM_172083.3); c.1108+1612G>A (NM_172081.3); c.1153+1612G>A (NM_172079.3, NM_172082.3); c.1225+1612G>A (NM_001293170.2, NM_172078.3); short protein forms A445T.
Identifiers: ClinVar variation 2088802 (VCV002088802.4), dbSNP rs2485417128, ClinGen allele CA367374110.
Genomic context (GRCh38, chr7:44,229,394, plus strand): 5'-GGGTTGCCAGCCCTCCAACATGACCCCCACAGCAGCAGGACCCAGGCTACTTACATGGGG[C>T]TGGCAGGGGGCTAAAGGGAGCCGGAGATGGGCAGGGCAGGGGCCCCTCGGCTTCTGGGGC-3'
Protein context (NP_001211.3, residues 435-455): PSPAPFSPLP[Ala445Thr]PSPRISDILN